The following is an entry in ClinVar:

NM_031844.3(HNRNPU):c.1378G>A (p.Gly460Ser)

Gene: HNRNPU (heterogeneous nuclear ribonucleoprotein U; minus strand). Cytogenetic location: 1q44.
Variant type: single nucleotide variant.
Coding change: c.1378G>A on transcript NM_031844.3 (MANE Select); coding-DNA position 1378, G replaced by A.
Protein change: p.Gly460Ser; replaces glycine 460 with serine.
Molecular consequence: missense variant.
Genome position (GRCh38, 1-based): chr1:244,858,127, C>T on the plus strand (G>A on the coding strand, the complement: HNRNPU is on the minus strand). VCF-style: chr1-244858127-C-T. GRCh37 (hg19) VCF-style: chr1-245021429-C-T.
Other names: c.1321G>A, p.Gly441Ser (NM_004501.3); short protein forms G441S, G460S.
Identifiers: ClinVar variation 1450922 (VCV001450922.6), dbSNP rs2102986670, ClinGen allele CA345491765.
Genomic context (GRCh38, chr1:244,858,127, plus strand): 5'-GGACGTTCTGGATGAAAGTATACTCTTCAGGTATTGGAAAATATGGCTTTTCCTTCTGAC[C>T]AAAATTAAATTCAACTGCACAGTTGTGGCAGAGAACATGCGGGAACAGTGGCCGTCCAGC-3'
Protein context (NP_114032.2, residues 450-470): CHNCAVEFNF[Gly460Ser]QKEKPYFPIP

ClinVar aggregate classification (germline): Uncertain significance (1 of 4 stars; one submission).

Conditions:
Developmental and epileptic encephalopathy, 54. Also called: Epileptic encephalopathy, early infantile, 54; HNRNPU-Related Neurodevelopmental Disorder. Identifiers: MedGen C4479319, MONDO:0033363, OMIM 617391.

Submission:

Labcorp Genetics (formerly Invitae), Labcorp
Classification: Uncertain significance for Developmental and epileptic encephalopathy, 54. Last evaluated: 2021-08-11. Review status: criteria provided, single submitter. Criteria: Invitae Variant Classification Sherloc (09022015). Collection method: clinical testing. Allele origin: germline.
Comment: In summary, the available evidence is currently insufficient to determine the role of this variant in disease. Therefore, it has been classified as a Variant of Uncertain Significance. Algorithms developed to predict the effect of sequence changes on RNA splicing suggest that this variant may create or strengthen a splice site. Algorithms developed to predict the effect of missense changes on protein structure and function are either unavailable or do not agree on the potential impact of this missense change (SIFT: "Tolerated"; PolyPhen-2: "Not Available"; Align-GVGD: "Class C0"). This variant has not been reported in the literature in individuals affected with HNRNPU-related conditions. This variant is not present in population databases (ExAC no frequency). This sequence change replaces glycine with serine at codon 460 of the HNRNPU protein (p.Gly460Ser). The glycine residue is highly conserved and there is a small physicochemical difference between glycine and serine.